The following is an entry in ClinVar:

ClinVar aggregate classification (germline): Uncertain significance. Review status: criteria provided, multiple submitters, no conflicts (2 of 4 stars). 3 submissions from 3 submitters: Uncertain significance (3). Last evaluated 2025-03-07.

Conditions:
Inborn genetic diseases. Identifiers: MedGen C0950123, MeSH D030342.

Allele frequency attached by ClinVar (database versions not stated): ExAC 0.00001; gnomAD 0.00003; TOPMed 0.00003; gnomAD exomes 0.00005.
gnomAD v4.1: 80 of 1,612,974 alleles (0.005%); highest among the groups gnomAD compares: South Asian, 0.0099%; no homozygotes.

Submissions (3):

Ambry Genetics
Classification: Uncertain significance for Inborn genetic diseases. Last evaluated: 2025-03-07. Review status: criteria provided, single submitter. Criteria: Ambry Variant Classification Scheme 2023. Collection method: clinical testing. Allele origin: germline.

Labcorp Genetics (formerly Invitae), Labcorp
Classification: Uncertain significance. Last evaluated: 2022-03-16. Review status: criteria provided, single submitter. Criteria: Invitae Variant Classification Sherloc (09022015). Collection method: clinical testing. Allele origin: germline.
Comment: This sequence change replaces arginine, which is basic and polar, with tryptophan, which is neutral and slightly polar, at codon 2794 of the HSPG2 protein (p.Arg2794Trp). This variant is present in population databases (rs755487807, gnomAD 0.005%). This variant has not been reported in the literature in individuals affected with HSPG2-related conditions. Algorithms developed to predict the effect of missense changes on protein structure and function are either unavailable or do not agree on the potential impact of this missense change (SIFT: "Tolerated"; PolyPhen-2: "Probably Damaging"; Align-GVGD: "Class C0"). In summary, the available evidence is currently insufficient to determine the role of this variant in disease. Therefore, it has been classified as a Variant of Uncertain Significance.

Revvity Omics, Revvity
Classification: Uncertain significance. Last evaluated: 2019-09-26. Review status: criteria provided, single submitter. Criteria: ACMG Guidelines, 2015. Collection method: clinical testing. Allele origin: germline.

NM_005529.7(HSPG2):c.8380C>T (p.Arg2794Trp)

Gene: HSPG2 (heparan sulfate proteoglycan 2; minus strand). Cytogenetic location: 1p36.12.
Variant type: single nucleotide variant.
Coding change: c.8380C>T on transcript NM_005529.7 (MANE Select); coding-DNA position 8380, C replaced by T.
Protein change: p.Arg2794Trp; replaces arginine 2794 with tryptophan.
Molecular consequence: missense variant.
Genome position (GRCh38, 1-based): chr1:21,846,192, G>A on the plus strand (C>T on the coding strand, the complement: HSPG2 is on the minus strand). VCF-style: chr1-21846192-G-A. GRCh37 (hg19) VCF-style: chr1-22172685-G-A.
Other names: c.8380C>T (NM_005529.5); c.8383C>T, p.Arg2795Trp (NM_001291860.2); short protein forms R2794W, R2795W.
Identifiers: ClinVar variation 2051307 (VCV002051307.5), dbSNP rs755487807, ClinGen allele CA670797.